The following is an entry in ClinVar:

ClinVar aggregate classification (germline): Uncertain significance. Review status: criteria provided, multiple submitters, no conflicts (2 of 4 stars). 2 submissions from 2 submitters: Uncertain significance (2). Last evaluated 2025-03-17.

Allele frequency attached by ClinVar (database versions not stated): gnomAD exomes 0.00001 and 0.00002; ExAC 0.00004; gnomAD 0.00003 and 0.00004; TOPMed 0.00005.
gnomAD v4.1: 20 of 1,611,030 alleles (0.0012%); highest among the groups gnomAD compares: East Asian, 0.034%; no homozygotes.

Submissions (2):

Labcorp Genetics (formerly Invitae), Labcorp
Classification: Uncertain significance. Last evaluated: 2025-03-17. Review status: criteria provided, single submitter. Criteria: Invitae Variant Classification Sherloc (09022015). Collection method: clinical testing. Allele origin: germline.
Comment: This sequence change replaces leucine, which is neutral and non-polar, with valine, which is neutral and non-polar, at codon 243 of the ABRAXAS1 protein (p.Leu243Val). This variant is present in population databases (rs755187051, gnomAD 0.03%). This missense change has been observed in individual(s) with premature ovarian insuficiency (PMID: 31000350). ClinVar contains an entry for this variant (Variation ID: 241858). Invitae Evidence Modeling of protein sequence and biophysical properties (such as structural, functional, and spatial information, amino acid conservation, physicochemical variation, residue mobility, and thermodynamic stability) has been performed for this missense variant. However, the output from this modeling did not meet the statistical confidence thresholds required to predict the impact of this variant on ABRAXAS1 protein function. Experimental studies have shown that this missense change does not substantially affect ABRAXAS1 function (PMID: 31000350). In summary, the available evidence is currently insufficient to determine the role of this variant in disease. Therefore, it has been classified as a Variant of Uncertain Significance.

Ambry Genetics
Classification: Uncertain significance. Last evaluated: 2025-01-07. Review status: criteria provided, single submitter. Criteria: Ambry Variant Classification Scheme 2023. Collection method: clinical testing. Allele origin: germline.
Comment: The p.L243V variant (also known as c.727C>G), located in coding exon 8 of the FAM175A gene, results from a C to G substitution at nucleotide position 727. The leucine at codon 243 is replaced by valine, an amino acid with highly similar properties. This amino acid position is conserved. In addition, the in silico prediction for this alteration is inconclusive. Since supporting evidence is limited at this time, the clinical significance of this alteration remains unclear.

Literature cited by the submitters: PubMed 31000350 (cited by Labcorp Genetics (formerly Invitae), Labcorp).

NM_139076.3(ABRAXAS1):c.727C>G (p.Leu243Val)

Gene: ABRAXAS1 (abraxas 1, BRCA1 A complex subunit; minus strand). Cytogenetic location: 4q21.23.
Variant type: single nucleotide variant.
Coding change: c.727C>G on transcript NM_139076.3 (MANE Select); coding-DNA position 727, C replaced by G.
Protein change: p.Leu243Val; replaces leucine 243 with valine.
Molecular consequence: missense variant.
Genome position (GRCh38, 1-based): chr4:83,463,563, G>C on the plus strand (C>G on the coding strand, the complement: ABRAXAS1 is on the minus strand). VCF-style: chr4-83463563-G-C. GRCh37 (hg19) VCF-style: chr4-84384716-G-C.
Other names: c.400C>G, p.Leu134Val (NM_001345962.2); short protein forms L243V, L134V.
Identifiers: ClinVar variation 241858 (VCV000241858.12), dbSNP rs755187051, ClinGen allele CA2990462.